The following is an entry in ClinVar:

NM_174936.4(PCSK9):c.1558G>A (p.Val520Ile)

Gene: PCSK9 (proprotein convertase subtilisin/kexin type 9; plus strand). Cytogenetic location: 1p32.3.
Variant type: single nucleotide variant.
Coding change: c.1558G>A on transcript NM_174936.4 (MANE Select); coding-DNA position 1558, G replaced by A.
Protein change: p.Val520Ile; replaces valine 520 with isoleucine.
Molecular consequence: missense variant. On other transcripts: non-coding transcript variant (7), intron variant (1).
Genome position (GRCh38, 1-based): chr1:55,059,540, G>A. VCF-style: chr1-55059540-G-A. GRCh37 (hg19) VCF-style: chr1-55525213-G-A.
Other names: c.1681G>A, p.Val561Ile (NM_001407240.1); c.1600G>A, p.Val534Ile (NM_001407241.1); c.1561G>A, p.Val521Ile (NM_001407242.1); c.1501G>A, p.Val501Ile (NM_001407243.1); c.1384G>A, p.Val462Ile (NM_001407244.1); c.1366G>A, p.Val456Ile (NM_001407245.1); c.1183G>A, p.Val395Ile (NM_001407246.1); c.1181-1835G>A (NM_001407247.1); short protein forms V456I, V520I, V521I, V395I, V462I, V561I, V501I, V534I.
Identifiers: ClinVar variation 5026366 (VCV005026366.1).

ClinVar aggregate classification (germline): Uncertain significance (1 of 4 stars; one submission).

Conditions:
Cardiovascular phenotype. Identifiers: MedGen CN230736.

gnomAD v4.1: 1 of 1,562,026 alleles (0.000064%); highest among the groups gnomAD compares: Non-Finnish European, 0.000087%; no homozygotes.

Submission:

Ambry Genetics
Classification: Uncertain significance for Cardiovascular phenotype. Last evaluated: 2026-07-06. Review status: criteria provided, single submitter. Criteria: Ambry Variant Classification Scheme 2023. Collection method: clinical testing. Allele origin: germline.
Comment: The p.V520I variant (also known as c.1558G>A), located in coding exon 10 of the PCSK9 gene, results from a G to A substitution at nucleotide position 1558. The valine at codon 520 is replaced by isoleucine, an amino acid with highly similar properties. This amino acid position is conserved. In addition, the in silico prediction for this alteration is inconclusive. Based on the available evidence, the clinical significance of this variant remains unclear.